The following is an entry in ClinVar:

NM_001012339.3(DNAJC21):c.370G>C (p.Glu124Gln)

Gene: DNAJC21 (DnaJ heat shock protein family (Hsp40) member C21; plus strand). Cytogenetic location: 5p13.2.
Variant type: single nucleotide variant.
Coding change: c.370G>C on transcript NM_001012339.3 (MANE Select); coding-DNA position 370, G replaced by C.
Protein change: p.Glu124Gln; replaces glutamic acid 124 with glutamine.
Molecular consequence: missense variant.
Genome position (GRCh38, 1-based): chr5:34,936,198, G>C. VCF-style: chr5-34936198-G-C. GRCh37 (hg19) VCF-style: chr5-34936303-G-C.
Other names: c.370G>C, p.Glu124Gln (NM_001348420.2, NM_194283.4); short protein forms E124Q.
Identifiers: ClinVar variation 1194636 (VCV001194636.18), dbSNP rs139629564, ClinGen allele CA3228429.

ClinVar aggregate classification (germline): Conflicting classifications of pathogenicity. Review status: criteria provided, conflicting classifications (1 of 4 stars). 6 submissions from 6 submitters: Uncertain significance (4); Likely benign (1). 1 of the submissions does not count toward it. Last evaluated 2026-01-21.

Conditions:
Inborn genetic diseases. Identifiers: MedGen C0950123, MeSH D030342.
DNAJC21-related disorder. Also called: DNAJC21-related condition.

Allele frequency attached by ClinVar (database versions not stated): 1000 Genomes Project 0.00020; 1000 Genomes Project 30x 0.00031; TOPMed 0.00046; gnomAD 0.00053 and 0.00056; ESP Exome Variant Server 0.00054; gnomAD exomes 0.00059 and 0.00065; ExAC 0.00083.
gnomAD v4.1: 953 of 1,614,100 alleles (0.059%); highest among the groups gnomAD compares: Non-Finnish European, 0.061%; 2 homozygotes.

Submissions (6):

Labcorp Genetics (formerly Invitae), Labcorp
Classification: Likely benign. Last evaluated: 2026-01-21. Review status: criteria provided, single submitter. Criteria: Invitae Variant Classification Sherloc (09022015). Collection method: clinical testing. Allele origin: germline.

Blueprint Genetics
Classification: Uncertain significance. Last evaluated: 2024-10-18. Review status: criteria provided, single submitter. Criteria: ACMG Guidelines, 2015. Collection method: clinical testing. Allele origin: germline.

Ambry Genetics
Classification: Uncertain significance for Inborn genetic diseases. Last evaluated: 2021-07-13. Review status: criteria provided, single submitter. Criteria: Ambry Variant Classification Scheme 2023. Collection method: clinical testing. Allele origin: germline.

GeneDx
Classification: Uncertain significance. Last evaluated: 2021-02-05. Review status: criteria provided, single submitter. Criteria: GeneDx Variant Classification Process June 2021. Collection method: clinical testing. Allele origin: germline. Affected: yes.
Comment: In silico analysis, which includes protein predictors and evolutionary conservation, supports that this variant does not alter protein structure/function; Has not been previously published as pathogenic or benign to our knowledge

Genetic Services Laboratory, University of Chicago
Classification: Uncertain significance. Last evaluated: 2018-11-25. Review status: criteria provided, single submitter. Criteria: ACMG Guidelines, 2015. Collection method: clinical testing. Allele origin: germline. Affected: no.

PreventionGenetics, part of Exact Sciences
Classification: Likely benign for DNAJC21-related condition. Last evaluated: 2023-01-08. Review status: no assertion criteria provided. Collection method: clinical testing. Allele origin: germline. Not counted in ClinVar's aggregate classification.
Comment: This variant is classified as likely benign based on ACMG/AMP sequence variant interpretation guidelines (Richards et al. 2015 PMID: 25741868, with internal and published modifications).